The following is an entry in ClinVar:

NM_001134363.3(RBM20):c.2464C>A (p.Gln822Lys)

Gene: RBM20 (RNA binding motif protein 20; plus strand). Cytogenetic location: 10q25.2.
Variant type: single nucleotide variant.
Coding change: c.2464C>A on transcript NM_001134363.3 (MANE Select); coding-DNA position 2464, C replaced by A.
Protein change: p.Gln822Lys; replaces glutamine 822 with lysine.
Molecular consequence: missense variant.
Genome position (GRCh38, 1-based): chr10:110,812,861, C>A. VCF-style: chr10-110812861-C-A. GRCh37 (hg19) VCF-style: chr10-112572619-C-A.
Other names: short protein forms Q822K.
Identifiers: ClinVar variation 470600 (VCV000470600.27), dbSNP rs377259044, ClinGen allele CA5688695.

ClinVar aggregate classification (germline): Conflicting classifications of pathogenicity. Review status: criteria provided, conflicting classifications (1 of 4 stars). 3 submissions from 3 submitters: Uncertain significance (2); Likely benign (1). Last evaluated 2024-11-23.

Conditions:
Dilated cardiomyopathy 1DD (CMD1DD). Identifiers: Orphanet 154, MedGen C2750995, MONDO:0013168, OMIM 613172.
Cardiovascular phenotype. Identifiers: MedGen CN230736.

Allele frequency attached by ClinVar (database versions not stated): gnomAD exomes 0.00001; TOPMed 0.00002; ExAC 0.00008; ESP Exome Variant Server 0.00022.
gnomAD v4.1: 12 of 1,490,216 alleles (0.00081%); highest among the groups gnomAD compares: Non-Finnish European, 0.00098%; no homozygotes.

Submissions (3):

Ambry Genetics
Classification: Uncertain significance for Cardiovascular phenotype. Last evaluated: 2024-11-23. Review status: criteria provided, single submitter. Criteria: Ambry Variant Classification Scheme 2023. Collection method: clinical testing. Allele origin: germline.
Comment: The p.Q822K variant (also known as c.2464C>A), located in coding exon 9 of the RBM20 gene, results from a C to A substitution at nucleotide position 2464. The glutamine at codon 822 is replaced by lysine, an amino acid with similar properties. This amino acid position is well conserved in available vertebrate species. In addition, this alteration is predicted to be tolerated by in silico analysis. Since supporting evidence is limited at this time, the clinical significance of this alteration remains unclear.

Labcorp Genetics (formerly Invitae), Labcorp
Classification: Likely benign for Dilated cardiomyopathy 1DD. Last evaluated: 2023-10-10. Review status: criteria provided, single submitter. Criteria: Invitae Variant Classification Sherloc (09022015). Collection method: clinical testing. Allele origin: germline.

Illumina Laboratory Services, Illumina
Classification: Uncertain significance for Dilated cardiomyopathy 1DD. Last evaluated: 2018-01-12. Review status: criteria provided, single submitter. Criteria: ICSL Variant Classification Criteria 13 December 2019. Collection method: clinical testing. Allele origin: germline.